The following is an entry in ClinVar:

NM_001089.3(ABCA3):c.450G>A (p.Val150=)

Gene: ABCA3 (ATP binding cassette subfamily A member 3; minus strand). Cytogenetic location: 16p13.3.
Variant type: single nucleotide variant.
Coding change: c.450G>A on transcript NM_001089.3 (MANE Select); coding-DNA position 450, G replaced by A.
Protein change: p.Val150=; no amino-acid change (valine 150 retained).
Molecular consequence: synonymous variant.
Genome position (GRCh38, 1-based): chr16:2,323,686, C>T on the plus strand (G>A on the coding strand, the complement: ABCA3 is on the minus strand). VCF-style: chr16-2323686-C-T. GRCh37 (hg19) VCF-style: chr16-2373687-C-T.
Identifiers: ClinVar variation 178701 (VCV000178701.20), dbSNP rs74002800, ClinGen allele CA182812.

ClinVar aggregate classification (germline): Benign. Review status: criteria provided, multiple submitters, no conflicts (2 of 4 stars). 7 submissions from 7 submitters: Benign (7). Last evaluated 2026-02-04.

Conditions:
Hereditary pulmonary alveolar proteinosis. Also called: Pulmonary surfactant metabolism dysfunction. Identifiers: Orphanet 264675, MedGen C3711368, MONDO:0012580.
Interstitial lung disease due to ABCA3 deficiency. Also called: PULMONARY ALVEOLAR PROTEINOSIS, CONGENITAL, 3. Identifiers: Orphanet 440402, MedGen C1970456, MONDO:0012582, OMIM 610921.

Allele frequency attached by ClinVar (database versions not stated): gnomAD exomes 0.00349 and 0.00892; ExAC 0.01071; gnomAD 0.03430 and 0.03711; 1000 Genomes Project 0.03435; ESP Exome Variant Server 0.03878; 1000 Genomes Project 30x 0.03966; TOPMed 0.04003.
gnomAD v4.1: 10,556 of 1,614,074 alleles (0.65%); highest among the groups gnomAD compares: African/African-American, 12%; 575 homozygotes.

Submissions (7):

Labcorp Genetics (formerly Invitae), Labcorp
Classification: Benign. Last evaluated: 2026-02-04. Review status: criteria provided, single submitter. Criteria: Invitae Variant Classification Sherloc (09022015). Collection method: clinical testing. Allele origin: germline.

Blueprint Genetics
Classification: Benign. Last evaluated: 2024-11-26. Review status: criteria provided, single submitter. Criteria: ACMG Guidelines, 2015. Collection method: clinical testing. Allele origin: germline.

GeneDx
Classification: Benign. Last evaluated: 2018-05-31. Review status: criteria provided, single submitter. Criteria: GeneDx Variant Classification (06012015). Collection method: clinical testing. Allele origin: germline. Affected: yes.
Comment: This variant is considered likely benign or benign based on one or more of the following criteria: it is a conservative change, it occurs at a poorly conserved position in the protein, it is predicted to be benign by multiple in silico algorithms, and/or has population frequency not consistent with disease.

Illumina Laboratory Services, Illumina
Classification: Benign for Interstitial lung disease due to ABCA3 deficiency. Last evaluated: 2018-01-12. Review status: criteria provided, single submitter. Criteria: ICSL Variant Classification Criteria 13 December 2019. Collection method: clinical testing. Allele origin: germline.
Comment: This variant was observed in the ICSL laboratory as part of a predisposition screen in an ostensibly healthy population. It had not been previously curated by ICSL or reported in the Human Gene Mutation Database (HGMD: prior to June 1st, 2018), and was therefore a candidate for classification through an automated scoring system. Utilizing variant allele frequency, disease prevalence and penetrance estimates, and inheritance mode, an automated score was calculated to assess if this variant is too frequent to cause the disease. Based on the score and internal cut-off values, a variant classified as benign is not then subjected to further curation. The score for this variant resulted in a classification of benign for this disease.

Ambry Genetics
Classification: Benign for Hereditary pulmonary alveolar proteinosis. Last evaluated: 2016-09-29. Review status: criteria provided, single submitter. Criteria: Ambry Variant Classification Scheme 2023. Collection method: clinical testing. Allele origin: germline.

Laboratory for Molecular Medicine, Mass General Brigham Personalized Medicine
Classification: Benign. Last evaluated: 2013-02-21. Review status: criteria provided, single submitter. Criteria: LMM Criteria. Collection method: clinical testing. Allele origin: germline. Observed: 5 variant alleles.
Comment: Val150Val in exon 7 of ABCA3: This variant is not expected to have clinical sign ificance because it does not alter an amino acid residue and is not located with in the splice consensus sequence. It has been identified in 11.3% (498/4396) of African American chromosomes from a broad population by the NHLBI Exome Sequenci ng Project (dbSNP rs74002800).

Breakthrough Genomics
Classification: Benign. Review status: criteria provided, single submitter. Criteria: ACMG Guidelines, 2015. Collection method: not provided. Allele origin: germline. Inheritance: Autosomal recessive inheritance. Affected: yes.